The following is an entry in ClinVar:

NM_005219.5(DIAPH1):c.2282C>T (p.Pro761Leu)

Gene: DIAPH1 (diaphanous related formin 1; minus strand). Cytogenetic location: 5q31.3.
Variant type: single nucleotide variant.
Coding change: c.2282C>T on transcript NM_005219.5 (MANE Select); coding-DNA position 2282, C replaced by T.
Protein change: p.Pro761Leu; replaces proline 761 with leucine.
Molecular consequence: missense variant.
Genome position (GRCh38, 1-based): chr5:141,573,568, G>A on the plus strand (C>T on the coding strand, the complement: DIAPH1 is on the minus strand). VCF-style: chr5-141573568-G-A. GRCh37 (hg19) VCF-style: chr5-140953135-G-A.
Other names: c.2255C>T, p.Pro752Leu (NM_001079812.3); c.2282C>T, p.Pro761Leu (NM_001314007.2); short protein forms P761L, P752L.
Identifiers: ClinVar variation 1407130 (VCV001407130.6), dbSNP rs1382690018, ClinGen allele CA361516731.

ClinVar aggregate classification (germline): Uncertain significance (1 of 4 stars; one submission).

Conditions:
Autosomal dominant nonsyndromic hearing loss 1. Also called: KONIGSMARK SYNDROME; DEAFNESS, AUTOSOMAL DOMINANT 1, WITH OR WITHOUT THROMBOCYTOPENIA. Identifiers: Orphanet 90635, MedGen C1852282, MONDO:0007424, OMIM 124900.
Progressive microcephaly-seizures-cortical blindness-developmental delay syndrome. Also called: Seizures, cortical blindness, and microcephaly syndrome. Identifiers: Orphanet 477814, MedGen C5567650, MONDO:0014714, OMIM 616632.

Allele frequency attached by ClinVar (database versions not stated): gnomAD exomes below 0.00001.
gnomAD v4.1: 2 of 1,614,112 alleles (0.00012%); highest among the groups gnomAD compares: South Asian, 0.0011%; no homozygotes.

Submission:

Labcorp Genetics (formerly Invitae), Labcorp
Classification: Uncertain significance for Progressive microcephaly-seizures-cortical blindness-developmental delay syndrome; Autosomal dominant nonsyndromic hearing loss 1. Last evaluated: 2021-07-24. Review status: criteria provided, single submitter. Criteria: Invitae Variant Classification Sherloc (09022015). Collection method: clinical testing. Allele origin: germline.
Comment: Algorithms developed to predict the effect of missense changes on protein structure and function are either unavailable or do not agree on the potential impact of this missense change (SIFT: "Deleterious"; PolyPhen-2: "Not Available"; Align-GVGD: "Class C0"). In summary, the available evidence is currently insufficient to determine the role of this variant in disease. Therefore, it has been classified as a Variant of Uncertain Significance. This variant has not been reported in the literature in individuals affected with DIAPH1-related conditions. This sequence change replaces proline with leucine at codon 761 of the DIAPH1 protein (p.Pro761Leu). The proline residue is moderately conserved and there is a moderate physicochemical difference between proline and leucine. This variant is not present in population databases (ExAC no frequency).